The following is an entry in ClinVar:

NM_000304.4(PMP22):c.430_431insAA (p.Pro144fs)

Gene: PMP22 (peripheral myelin protein 22; minus strand). Cytogenetic location: 17p12.
Variant type: Insertion.
Coding change: c.430_431insAA on transcript NM_000304.4 (MANE Select); coding-DNA positions 430 to 431, AA inserted.
Protein change: p.Pro144fs; shifts the reading frame from proline 144.
Molecular consequence: frameshift variant. On other transcripts: non-coding transcript variant (2).
Genome position: GRCh38 VCF-style: chr17-15230969-G-GTT. GRCh37 (hg19) VCF-style: chr17-15134286-G-GTT.
Other names: c.430_431insAA, p.Pro144fs (NM_001281455.2, NM_001281456.2, NM_153321.3 and 1 more transcripts); short protein forms P144fs.
Identifiers: ClinVar variation 3662972 (VCV003662972.2).

ClinVar aggregate classification (germline): Pathogenic (1 of 4 stars; one submission).

Conditions:
Charcot-Marie-Tooth disease, type I (CMT1). Also called: Charcot-Marie-Tooth disease type 1; Charcot-Marie-Tooth, Type 1. Identifiers: Orphanet 65753, MedGen C0751036, MONDO:0019011.

Submission:

Labcorp Genetics (formerly Invitae), Labcorp
Classification: Pathogenic for Charcot-Marie-Tooth disease, type I. Last evaluated: 2024-09-10. Review status: criteria provided, single submitter. Criteria: Invitae Variant Classification Sherloc (09022015). Collection method: clinical testing. Allele origin: germline.
Comment: This sequence change creates a premature translational stop signal (p.Pro144Glnfs*12) in the PMP22 gene. While this is not anticipated to result in nonsense mediated decay, it is expected to disrupt the last 17 amino acid(s) of the PMP22 protein. This variant is not present in population databases (gnomAD no frequency). This variant has not been reported in the literature in individuals affected with PMP22-related conditions. This variant disrupts a region of the PMP22 protein in which other variant(s) (p.Leu145Argfs*10) have been determined to be pathogenic (PMID: 21149811, 21252112, 23965407). This suggests that this is a clinically significant region of the protein, and that variants that disrupt it are likely to be disease-causing. For these reasons, this variant has been classified as Pathogenic.

Literature cited by the submitters: PubMed 21149811; PubMed 21252112; PubMed 23965407.